The following is an entry in ClinVar:

NM_001457.4(FLNB):c.4396G>A (p.Val1466Met)

Gene: FLNB (filamin B; plus strand). Cytogenetic location: 3p14.3.
Variant type: single nucleotide variant.
Coding change: c.4396G>A on transcript NM_001457.4 (MANE Select); coding-DNA position 4396, G replaced by A.
Protein change: p.Val1466Met; replaces valine 1466 with methionine.
Molecular consequence: missense variant.
Genome position (GRCh38, 1-based): chr3:58,132,813, G>A. VCF-style: chr3-58132813-G-A. GRCh37 (hg19) VCF-style: chr3-58118540-G-A.
Other names: c.4489G>A, p.Val1497Met (NM_001164317.2); c.4396G>A, p.Val1466Met (NM_001164318.2, NM_001164319.2); short protein forms V1497M, V1466M.
Identifiers: ClinVar variation 1898211 (VCV001898211.18), dbSNP rs377463989, ClinGen allele CA2468767.

ClinVar aggregate classification (germline): Uncertain significance. Review status: criteria provided, multiple submitters, no conflicts (2 of 4 stars). 2 submissions from 2 submitters: Uncertain significance (2). Last evaluated 2024-12-01.

Allele frequency attached by ClinVar (database versions not stated): ExAC 0.00002; ESP Exome Variant Server 0.00008.
gnomAD v4.1: 18 of 1,614,154 alleles (0.0011%); highest among the groups gnomAD compares: Non-Finnish European, 0.0015%; no homozygotes.

Submissions (2):

CeGaT Center for Human Genetics Tuebingen
Classification: Uncertain significance. Last evaluated: 2024-12-01. Review status: criteria provided, single submitter. Criteria: CeGaT Center For Human Genetics Tuebingen Variant Classification Criteria Version 2. Collection method: clinical testing. Allele origin: germline. Affected: yes. Observed: 1 variant allele.
Comment: FLNB: PM2

Labcorp Genetics (formerly Invitae), Labcorp
Classification: Uncertain significance. Last evaluated: 2024-11-13. Review status: criteria provided, single submitter. Criteria: Invitae Variant Classification Sherloc (09022015). Collection method: clinical testing. Allele origin: germline.
Comment: This sequence change replaces valine, which is neutral and non-polar, with methionine, which is neutral and non-polar, at codon 1466 of the FLNB protein (p.Val1466Met). This variant is present in population databases (rs377463989, gnomAD 0.004%). This variant has not been reported in the literature in individuals affected with FLNB-related conditions. ClinVar contains an entry for this variant (Variation ID: 1898211). Invitae Evidence Modeling of protein sequence and biophysical properties (such as structural, functional, and spatial information, amino acid conservation, physicochemical variation, residue mobility, and thermodynamic stability) indicates that this missense variant is not expected to disrupt FLNB protein function with a negative predictive value of 95%. In summary, the available evidence is currently insufficient to determine the role of this variant in disease. Therefore, it has been classified as a Variant of Uncertain Significance.